The following is an entry in ClinVar:

ClinVar aggregate classification (germline): Uncertain significance. Review status: criteria provided, multiple submitters, no conflicts (2 of 4 stars). 2 submissions from 2 submitters: Uncertain significance (2). Last evaluated 2025-08-09.

Conditions:
Hereditary cancer-predisposing syndrome. Also called: Hereditary neoplastic syndrome; Neoplastic Syndromes, Hereditary; Hereditary Cancer Syndrome; Tumor predisposition. Identifiers: Orphanet 140162, MedGen C0027672, MeSH D009386, MONDO:0015356.
Gastrointestinal stromal tumor. Also called: Gastrointestinal stromal tumor, somatic; Gastrointestinal stroma tumor. Identifiers: Orphanet 44890, MedGen C0238198, MeSH D046152, MONDO:0011719, OMIM 606764, HP:0100723.

Allele frequency attached by ClinVar (database versions not stated): gnomAD exomes below 0.00001.

Submissions (2):

Labcorp Genetics (formerly Invitae), Labcorp
Classification: Uncertain significance for Gastrointestinal stromal tumor. Last evaluated: 2025-08-09. Review status: criteria provided, single submitter. Criteria: Invitae Variant Classification Sherloc (09022015). Collection method: clinical testing. Allele origin: germline.
Comment: This sequence change replaces aspartic acid, which is acidic and polar, with glycine, which is neutral and non-polar, at codon 400 of the PDGFRA protein (p.Asp400Gly). This variant is not present in population databases (gnomAD no frequency). This variant has not been reported in the literature in individuals affected with PDGFRA-related conditions. ClinVar contains an entry for this variant (Variation ID: 568359). Invitae Evidence Modeling of protein sequence and biophysical properties (such as structural, functional, and spatial information, amino acid conservation, physicochemical variation, residue mobility, and thermodynamic stability) indicates that this missense variant is not expected to disrupt PDGFRA protein function with a negative predictive value of 80%. In summary, the available evidence is currently insufficient to determine the role of this variant in disease. Therefore, it has been classified as a Variant of Uncertain Significance.

Ambry Genetics
Classification: Uncertain significance for Hereditary cancer-predisposing syndrome. Last evaluated: 2024-11-23. Review status: criteria provided, single submitter. Criteria: Ambry Variant Classification Scheme 2023. Collection method: clinical testing. Allele origin: germline.
Comment: The p.D400G variant (also known as c.1199A>G), located in coding exon 7 of the PDGFRA gene, results from an A to G substitution at nucleotide position 1199. The aspartic acid at codon 400 is replaced by glycine, an amino acid with similar properties. This amino acid position is conserved. In addition, the in silico prediction for this alteration is inconclusive. Since supporting evidence is limited at this time, the clinical significance of this alteration remains unclear.

NM_006206.6(PDGFRA):c.1199A>G (p.Asp400Gly)

Gene: PDGFRA (platelet derived growth factor receptor alpha; plus strand). Cytogenetic location: 4q12.
Variant type: single nucleotide variant.
Coding change: c.1199A>G on transcript NM_006206.6 (MANE Select); coding-DNA position 1199, A replaced by G.
Protein change: p.Asp400Gly; replaces aspartic acid 400 with glycine.
Molecular consequence: missense variant.
Genome position (GRCh38, 1-based): chr4:54,270,710, A>G. VCF-style: chr4-54270710-A-G. GRCh37 (hg19) VCF-style: chr4-55136877-A-G.
Other names: c.1199A>G, p.Asp400Gly (NM_001347827.2, NM_001347829.2); c.1274A>G, p.Asp425Gly (NM_001347828.2); c.1238A>G, p.Asp413Gly (NM_001347830.2); short protein forms D400G, D413G, D425G.
Identifiers: ClinVar variation 568359 (VCV000568359.13), dbSNP rs1560475881, ClinGen allele CA356892038.